The following is an entry in ClinVar:

ClinVar aggregate classification (germline): Likely benign. Review status: criteria provided, multiple submitters, no conflicts (2 of 4 stars). 3 submissions from 3 submitters: Likely benign (3). Last evaluated 2025-08-25.

Conditions:
Inborn genetic diseases. Identifiers: MedGen C0950123, MeSH D030342.
Neuropathy, hereditary sensory and autonomic, type 2A (HSAN2A). Also called: MORVAN DISEASE; NEUROPATHY, CONGENITAL SENSORY; NEUROPATHY, HEREDITARY SENSORY RADICULAR, AUTOSOMAL RECESSIVE; NEUROPATHY, HEREDITARY SENSORY, TYPE IIA; NEUROPATHY, PROGRESSIVE SENSORY, OF CHILDREN; HSAN IIA. Identifiers: Orphanet 970, MedGen C2752089, MONDO:0024309, OMIM 201300.
Pseudohypoaldosteronism type 2C (PHA2C). Also called: Pseudohypoaldosteronism Type IIC. Identifiers: Orphanet 757, Orphanet 88940, MedGen C1840391, MONDO:0013778, OMIM 614492.

Allele frequency attached by ClinVar (database versions not stated): gnomAD 0.00003 and 0.00004; gnomAD exomes 0.00003 and 0.00004; TOPMed 0.00006; ExAC 0.00008.
gnomAD v4.1: 45 of 1,535,886 alleles (0.0029%); highest among the groups gnomAD compares: Admixed American, 0.012%; no homozygotes.

Submissions (3):

Labcorp Genetics (formerly Invitae), Labcorp
Classification: Likely benign for Neuropathy, hereditary sensory and autonomic, type 2A; Pseudohypoaldosteronism type 2C. Last evaluated: 2025-08-25. Review status: criteria provided, single submitter. Criteria: Invitae Variant Classification Sherloc (09022015). Collection method: clinical testing. Allele origin: germline.

Ambry Genetics
Classification: Likely benign for Inborn genetic diseases. Last evaluated: 2024-11-07. Review status: criteria provided, single submitter. Criteria: Ambry Variant Classification Scheme 2023. Collection method: clinical testing. Allele origin: germline.

CeGaT Center for Human Genetics Tuebingen
Classification: Likely benign. Last evaluated: 2024-06-01. Review status: criteria provided, single submitter. Criteria: CeGaT Center For Human Genetics Tuebingen Variant Classification Criteria Version 2. Collection method: clinical testing. Allele origin: germline. Affected: yes. Observed: 1 variant allele.
Comment: WNK1: BP4, BP7

NM_213655.5(WNK1):c.2232C>T (p.Thr744=)

Gene: WNK1 (WNK lysine deficient protein kinase 1; plus strand). Cytogenetic location: 12p13.33.
Variant type: single nucleotide variant.
Coding change: c.2232C>T on transcript NM_213655.5 (MANE Plus Clinical); coding-DNA position 2232, C replaced by T.
Protein change: p.Thr744=; no amino-acid change (threonine 744 retained).
Molecular consequence: synonymous variant. On other transcripts: intron variant (3).
Genome position (GRCh38, 1-based): chr12:865,202, C>T. VCF-style: chr12-865202-C-T. GRCh37 (hg19) VCF-style: chr12-974368-C-T.
Other names: c.2140-2664C>T (NM_001184985.2); c.2139+2932C>T (NM_018979.4, NM_014823.3).
Identifiers: ClinVar variation 782200 (VCV000782200.28), dbSNP rs752499633, ClinGen allele CA6382136.
Genomic context (GRCh38, chr12:865,202, plus strand): 5'-TCCCATCTTTCTGCTGTTGCCTCTGTGTCCCGCATCTCTCCCAGTGCTCTTCCACCCCAC[C>T]GCCAGTACTGTCTGCACCTCTTTCTCCTTCCCTCCTCCGGACTGCCCCGAGGAAACTTTT-3'
Protein context (NP_998820.3, residues 734-754): PASLPVLFHP[Thr744=]ASTVCTSFSF